The following is an entry in ClinVar:

NM_001374828.1(ARID1B):c.2581+5G>A

Gene: ARID1B (AT-rich interaction domain 1B; plus strand). Cytogenetic location: 6q25.3.
Variant type: single nucleotide variant.
Coding change: c.2581+5G>A on transcript NM_001374828.1 (MANE Select); 5 bases into the intron after coding-DNA position 2581, G replaced by A.
Molecular consequence: intron variant.
Genome position (GRCh38, 1-based): chr6:157,110,566, G>A. VCF-style: chr6-157110566-G-A. GRCh37 (hg19) VCF-style: chr6-157431700-G-A.
Other names: c.2371+5G>A (NM_020732.3); c.2620+5G>A (NM_001371656.1, NM_001374820.1); c.2581+5G>A (NM_017519.3); c.82+5G>A (NM_001363725.2).
Identifiers: ClinVar variation 504280 (VCV000504280.49), dbSNP rs1554298239, ClinGen allele CA645556457.

ClinVar aggregate classification (germline): Conflicting classifications of pathogenicity. Review status: criteria provided, conflicting classifications (1 of 4 stars). 7 submissions from 7 submitters: Pathogenic (1); Likely pathogenic (3); Uncertain significance (1). 2 of the submissions do not count toward it. Last evaluated 2025-10-04.

Conditions:
ARID1B-Related Disorder. Identifiers: MedGen CN381337.
Inborn genetic diseases. Identifiers: MedGen C0950123, MeSH D030342.
Coffin-Siris syndrome 1 (CSS1). Also called: Mental retardation, autosomal dominant 12; ARID1B-Related Coffin-Siris Syndrome. Identifiers: Orphanet 1465, MedGen C3281201, MONDO:0007617, OMIM 135900. Disease mechanism: gain of function.

Submissions (7):

GeneDx
Classification: Pathogenic. Last evaluated: 2025-10-04. Review status: criteria provided, single submitter. Criteria: GeneDx Variant Classification Process June 2021. Collection method: clinical testing. Allele origin: germline. Affected: yes.
Comment: De novo variant with confirmed parentage in a patient included in a cohort of individuals with developmental disorders (PMID: 30587507); Not observed at significant frequency in large population cohorts (gnomAD); Intronic +5 splice site variant in a gene for which loss of function is a known mechanism of disease, and both splice predictors and evolutionary conservation support a deleterious effect, although in the absence of functional evidence the actual effect of this sequence change is unknown.; This variant is associated with the following publications: (PMID: 35982160, 37010288, 34440449, 30587507, 35904121)

Ambry Genetics
Classification: Uncertain significance for Inborn genetic diseases. Last evaluated: 2023-12-29. Review status: criteria provided, single submitter. Criteria: Ambry Variant Classification Scheme 2023. Collection method: clinical testing. Allele origin: germline.
Comment: The c.2371+5G>A intronic alteration results from a G to A substitution 5 nucleotides after coding exon 7 in the ARID1B gene. This variant was not reported in population-based cohorts in the Genome Aggregation Database (gnomAD). This variant (also known as c.2332+5G>A) has been reported in two individuals, however, limited clinical details were provided (Lord, 2019; Levy, 2022). This nucleotide position is highly conserved in available vertebrate species. In silico splice site analysis predicts that this alteration will weaken the native splice donor site and may result in the creation or strengthening of a novel splice donor site. Based on insufficient or conflicting evidence, the clinical significance of this alteration remains unclear.

Department of Human Genetics, Hannover Medical School
Classification: Likely pathogenic for Coffin-Siris syndrome 1. Last evaluated: 2022-07-18. Review status: criteria provided, single submitter. Criteria: ACMG Guidelines, 2015. Collection method: clinical testing. Allele origin: de novo. Inheritance: Autosomal dominant inheritance. Affected: yes.

CeGaT Center for Human Genetics Tuebingen
Classification: Likely pathogenic. Last evaluated: 2021-12-01. Review status: criteria provided, single submitter. Criteria: CeGaT Center For Human Genetics Tuebingen Variant Classification Criteria Version 2. Collection method: clinical testing. Allele origin: germline. Affected: yes. Observed: 1 variant allele.

Genetics Laboratory, UDIAT-Centre Diagnòstic, Hospital Universitari Parc Tauli
Classification: Likely pathogenic. Last evaluated: 2021-04-26. Review status: criteria provided, single submitter. Criteria: Parc Tauli Hospital Assertion Criteria 2021. Collection method: clinical testing. Allele origin: unknown. Inheritance: Autosomal dominant inheritance. Affected: yes. Observed: 1 heterozygote.
Comment: PVS1_very strong;PM2_supporting

PreventionGenetics, part of Exact Sciences
Classification: Likely pathogenic for ARID1B-related condition. Last evaluated: 2023-10-28. Review status: no assertion criteria provided. Collection method: clinical testing. Allele origin: germline. Not counted in ClinVar's aggregate classification.
Comment: The ARID1B c.2371+5G>A variant is predicted to interfere with splicing. This variant has been reported in individuals with ARID1B-related disorders, and was reported as a de novo finding in at least one of the cases (Table S1, Lord J. et al. 2019. PubMed ID: 30587507; Table S20: c.2620+5G>A, Fu et al. 2022. PubMed ID: 35982160; Levy et al. 2022. PubMed ID: 35904121). This variant has not been reported in a large population database, indicating this variant is rare. This variant is predicted to alter splicing based on available splicing prediction programs (Alamut Visual Plus v1.6.1); however, prediction programs are imperfect and we cannot be certain of the biological impact of this particular variant. In the ClinVar database, the c.2371+5G>A variant is reported with conflicting interpretations ranging from 'uncertain' to 'pathogenic' by other laboratories (described using alternate nomenclature on other transcripts in many papers and ClinVar). Taken together, this variant is interpreted as likely pathogenic.

Genome-Nilou Lab
Classification: Uncertain significance for Coffin-Siris syndrome 1. Last evaluated: 2021-07-15. Review status: flagged submission. Criteria: ACMG Guidelines, 2015. Collection method: clinical testing. Allele origin: germline. Affected: no. Not counted in ClinVar's aggregate classification.
ClinVar note: Reason: Outlier claim with insufficient supporting evidence

Literature cited by the submitters: PubMed 30587507 (cited by Ambry Genetics); PubMed 35904121 (cited by Ambry Genetics).